The following is an entry in ClinVar:

NM_001384732.1(CPLANE1):c.9446G>A (p.Gly3149Glu)

Gene: CPLANE1 (ciliogenesis and planar polarity effector complex subunit 1; minus strand). Cytogenetic location: 5p13.2.
Variant type: single nucleotide variant.
Coding change: c.9446G>A on transcript NM_001384732.1 (MANE Select); coding-DNA position 9446, G replaced by A.
Protein change: p.Gly3149Glu; replaces glycine 3149 with glutamic acid.
Molecular consequence: missense variant.
Genome position (GRCh38, 1-based): chr5:37,108,426, C>T on the plus strand (G>A on the coding strand, the complement: CPLANE1 is on the minus strand). VCF-style: chr5-37108426-C-T. GRCh37 (hg19) VCF-style: chr5-37108528-C-T.
Other names: c.9284G>A, p.Gly3095Glu (NM_023073.4); c.9284G>A (NM_023073.3); short protein forms G3149E, G3095E.
Identifiers: ClinVar variation 1983361 (VCV001983361.2), dbSNP rs148666740, ClinGen allele CA117047451.

ClinVar aggregate classification (germline): Uncertain significance. Review status: criteria provided, multiple submitters, no conflicts (2 of 4 stars). 2 submissions from 2 submitters: Uncertain significance (2). Last evaluated 2022-04-07.

Conditions:
Inborn genetic diseases. Identifiers: MedGen C0950123, MeSH D030342.

Allele frequency attached by ClinVar (database versions not stated): gnomAD 0.00002; TOPMed 0.00002; ESP Exome Variant Server 0.00008.
gnomAD v4.1: 3 of 1,614,074 alleles (0.00019%); highest among the groups gnomAD compares: African/African-American, 0.004%; no homozygotes.

Submissions (2):

Labcorp Genetics (formerly Invitae), Labcorp
Classification: Uncertain significance. Last evaluated: 2022-04-07. Review status: criteria provided, single submitter. Criteria: Invitae Variant Classification Sherloc (09022015). Collection method: clinical testing. Allele origin: germline.
Comment: This sequence change replaces glycine, which is neutral and non-polar, with glutamic acid, which is acidic and polar, at codon 3095 of the CPLANE1 protein (p.Gly3095Glu). This variant is present in population databases (rs148666740, gnomAD 0.01%). This variant has not been reported in the literature in individuals affected with CPLANE1-related conditions. Advanced modeling of protein sequence and biophysical properties (such as structural, functional, and spatial information, amino acid conservation, physicochemical variation, residue mobility, and thermodynamic stability) performed at Invitae indicates that this missense variant is not expected to disrupt CPLANE1 protein function. In summary, the available evidence is currently insufficient to determine the role of this variant in disease. Therefore, it has been classified as a Variant of Uncertain Significance.

Ambry Genetics
Classification: Uncertain significance for Inborn genetic diseases. Last evaluated: 2022-02-28. Review status: criteria provided, single submitter. Criteria: Ambry Variant Classification Scheme 2023. Collection method: clinical testing. Allele origin: germline.